The following is an entry in ClinVar:

ClinVar aggregate classification (germline): Uncertain significance. Review status: criteria provided, multiple submitters, no conflicts (2 of 4 stars). 2 submissions from 2 submitters: Uncertain significance (2). Last evaluated 2025-12-14.

Conditions:
Generalized epilepsy with febrile seizures plus, type 1 (GEFSP1). Also called: GEFS+, TYPE 1. Identifiers: Orphanet 36387, MedGen C1858672, MONDO:0011416, OMIM 604233.
Brugada syndrome 5 (BRGDA5). Identifiers: Orphanet 130, Orphanet 871, MedGen C2748541, MONDO:0013015, OMIM 612838.

Allele frequency attached by ClinVar (database versions not stated): gnomAD exomes below 0.00001; gnomAD 0.00001; TOPMed 0.00001.

Submissions (2):

Labcorp Genetics (formerly Invitae), Labcorp
Classification: Uncertain significance for Brugada syndrome 5. Last evaluated: 2025-12-14. Review status: criteria provided, single submitter. Criteria: Invitae Variant Classification Sherloc (09022015). Collection method: clinical testing. Allele origin: germline.
Comment: This sequence change replaces glutamic acid, which is acidic and polar, with lysine, which is basic and polar, at codon 133 of the SCN1B protein (p.Glu133Lys). This variant is not present in population databases (gnomAD no frequency). This variant has not been reported in the literature in individuals affected with SCN1B-related conditions. ClinVar contains an entry for this variant (Variation ID: 582475). An algorithm developed to predict the effect of missense changes on protein structure and function (PolyPhen-2) suggests that this variant is likely to be disruptive. In summary, the available evidence is currently insufficient to determine the role of this variant in disease. Therefore, it has been classified as a Variant of Uncertain Significance.

Cytogénomique, Hospices Civils de Lyon
Classification: Uncertain significance for Generalized epilepsy with febrile seizures plus, type 1. Last evaluated: 2015-02-15. Review status: criteria provided, single submitter. Criteria: ACMG Guidelines, 2015. Collection method: clinical testing. Allele origin: unknown. Inheritance: Autosomal dominant inheritance. Affected: yes.

NM_001037.5(SCN1B):c.397G>A (p.Glu133Lys)

Gene: SCN1B (sodium voltage-gated channel beta subunit 1; plus strand). Cytogenetic location: 19q13.11.
Variant type: single nucleotide variant.
Coding change: c.397G>A on transcript NM_001037.5 (MANE Select); coding-DNA position 397, G replaced by A.
Protein change: p.Glu133Lys; replaces glutamic acid 133 with lysine.
Molecular consequence: missense variant.
Genome position (GRCh38, 1-based): chr19:35,033,688, G>A. VCF-style: chr19-35033688-G-A. GRCh37 (hg19) VCF-style: chr19-35524592-G-A.
Other names: c.298G>A, p.Glu100Lys (NM_001321605.2); c.397G>A, p.Glu133Lys (NM_199037.5); short protein forms E133K, E100K.
Identifiers: ClinVar variation 582475 (VCV000582475.9), dbSNP rs1488699749, ClinGen allele CA405328951.